The following is an entry in ClinVar:

ClinVar aggregate classification (germline): Uncertain significance (1 of 4 stars; one submission).

Allele frequency attached by ClinVar (database versions not stated): gnomAD exomes below 0.00001.
gnomAD v4.1: 4 of 1,614,156 alleles (0.00025%); highest among the groups gnomAD compares: Non-Finnish European, 0.00034%; no homozygotes.

Submission:

Labcorp Genetics (formerly Invitae), Labcorp
Classification: Uncertain significance. Last evaluated: 2024-11-11. Review status: criteria provided, single submitter. Criteria: Invitae Variant Classification Sherloc (09022015). Collection method: clinical testing. Allele origin: germline.
Comment: This sequence change replaces alanine, which is neutral and non-polar, with valine, which is neutral and non-polar, at codon 73 of the CACNA1D protein (p.Ala73Val). This variant is not present in population databases (gnomAD no frequency). This variant has not been reported in the literature in individuals affected with CACNA1D-related conditions. ClinVar contains an entry for this variant (Variation ID: 2061078). An algorithm developed to predict the effect of missense changes on protein structure and function outputs the following: PolyPhen-2: "Benign". The valine amino acid residue is found in multiple mammalian species, which suggests that this missense change does not adversely affect protein function. In summary, the available evidence is currently insufficient to determine the role of this variant in disease. Therefore, it has been classified as a Variant of Uncertain Significance.

NM_001128840.3(CACNA1D):c.218C>T (p.Ala73Val)

Gene: CACNA1D (calcium voltage-gated channel subunit alpha1 D; plus strand). Cytogenetic location: 3p21.1.
Variant type: single nucleotide variant.
Coding change: c.218C>T on transcript NM_001128840.3 (MANE Select); coding-DNA position 218, C replaced by T.
Protein change: p.Ala73Val; replaces alanine 73 with valine.
Molecular consequence: missense variant.
Genome position (GRCh38, 1-based): chr3:53,497,302, C>T. VCF-style: chr3-53497302-C-T. GRCh37 (hg19) VCF-style: chr3-53531329-C-T.
Other names: c.218C>T, p.Ala73Val (NM_000720.4, NM_001128839.3); short protein forms A73V.
Identifiers: ClinVar variation 2061078 (VCV002061078.4), dbSNP rs2471509694, ClinGen allele CA353381995.
Genomic context (GRCh38, chr3:53,497,302, plus strand): 5'-GGCAAGCTGCAATCGATGCTGCTAGACAGGCCAAGGCTGCCCAAACTATGAGCACCTCTG[C>T]ACCCCCACCTGTAGGATCTCTCTCCCAAAGAAAACGTCAGCAATACGCCAAGAGCAAAAA-3'
Protein context (NP_001122312.1, residues 63-83): AKAAQTMSTS[Ala73Val]PPPVGSLSQR